The following is an entry in ClinVar:

ClinVar aggregate classification (germline): Likely benign. Review status: criteria provided, multiple submitters, no conflicts (2 of 4 stars). 2 submissions from 2 submitters: Likely benign (2). Last evaluated 2026-01-01.

Allele frequency attached by ClinVar (database versions not stated): 1000 Genomes Project 0.00120; 1000 Genomes Project 30x 0.00125.
gnomAD v4.1: 260 of 1,612,522 alleles (0.016%); highest among the groups gnomAD compares: South Asian, 0.21%; 3 homozygotes.

Submissions (2):

CeGaT Center for Human Genetics Tuebingen
Classification: Likely benign. Last evaluated: 2026-01-01. Review status: criteria provided, single submitter. Criteria: CeGaT Center For Human Genetics Tuebingen Variant Classification Criteria Version 2. Collection method: clinical testing. Allele origin: germline. Affected: yes. Observed: 1 variant allele.
Comment: LAMA5: BP4, BS2

Labcorp Genetics (formerly Invitae), Labcorp
Classification: Likely benign. Last evaluated: 2022-09-02. Review status: criteria provided, single submitter. Criteria: Invitae Variant Classification Sherloc (09022015). Collection method: clinical testing. Allele origin: germline.

NM_005560.6(LAMA5):c.5408C>T (p.Ser1803Phe)

Gene: LAMA5 (laminin subunit alpha 5; minus strand). Cytogenetic location: 20q13.33.
Variant type: single nucleotide variant.
Coding change: c.5408C>T on transcript NM_005560.6 (MANE Select); coding-DNA position 5408, C replaced by T.
Protein change: p.Ser1803Phe; replaces serine 1803 with phenylalanine.
Molecular consequence: missense variant.
Genome position (GRCh38, 1-based): chr20:62,325,437, G>A on the plus strand (C>T on the coding strand, the complement: LAMA5 is on the minus strand). VCF-style: chr20-62325437-G-A. GRCh37 (hg19) VCF-style: chr20-60900493-G-A.
Other names: short protein forms S1803F.
Identifiers: ClinVar variation 1983814 (VCV001983814.8), dbSNP rs375742435, ClinGen allele CA9942210.
Genomic context (GRCh38, chr20:62,325,437, plus strand): 5'-GCCCCCTGGCCTGCTGGGCTGGCCACCTCCAGTGCCACCCTGCGCAGGAAGACAGCCGAG[G>A]AGATCTGTGAGAAGAGGGCACGGATCTGCAGCTGCTCCAGGCTGGCCAGCACCATCATGA-3'
Protein context (NP_005551.3, residues 1793-1813): LQIRALFSQI[Ser1803Phe]SAVFLRRVAL